The following is an entry in ClinVar:

NM_001130438.3(SPTAN1):c.4128A>T (p.Ala1376=)

Gene: SPTAN1 (spectrin alpha, non-erythrocytic 1; plus strand). Cytogenetic location: 9q34.11.
Variant type: single nucleotide variant.
Coding change: c.4128A>T on transcript NM_001130438.3 (MANE Select); coding-DNA position 4128, A replaced by T.
Protein change: p.Ala1376=; no amino-acid change (alanine 1376 retained).
Molecular consequence: synonymous variant.
Genome position (GRCh38, 1-based): chr9:128,607,685, A>T. VCF-style: chr9-128607685-A-T. GRCh37 (hg19) VCF-style: chr9-131369964-A-T.
Other names: c.4068A>T, p.Ala1356= (NM_001195532.2, NM_001363765.2, NM_001375314.2); c.4128A>T, p.Ala1376= (NM_001363759.2, NM_001375310.1, NM_001375311.2 and 2 more transcripts); c.4164A>T, p.Ala1388= (NM_001375312.2, NM_001375318.1).
Identifiers: ClinVar variation 1132014 (VCV001132014.33), dbSNP rs2131613638, ClinGen allele CA467302964.

ClinVar aggregate classification (germline): Likely benign. Review status: criteria provided, multiple submitters, no conflicts (2 of 4 stars). 2 submissions from 2 submitters: Likely benign (2). Last evaluated 2023-01-01.

Conditions:
Early-infantile DEE. Also called: Ohtahara syndrome; Early infantile epileptic encephalopathy; Early infantile epileptic encephalopathy with suppression bursts. Identifiers: Orphanet 1934, MedGen C0393706, MONDO:0800491.

Submissions (2):

CeGaT Center for Human Genetics Tuebingen
Classification: Likely benign. Last evaluated: 2023-01-01. Review status: criteria provided, single submitter. Criteria: CeGaT Center For Human Genetics Tuebingen Variant Classification Criteria Version 2. Collection method: clinical testing. Allele origin: germline. Affected: yes. Observed: 1 variant allele.
Comment: SPTAN1: PM2:Supporting, BP4, BP7

Labcorp Genetics (formerly Invitae), Labcorp
Classification: Likely benign for Early-infantile DEE. Last evaluated: 2020-05-31. Review status: criteria provided, single submitter. Criteria: Invitae Variant Classification Sherloc (09022015). Collection method: clinical testing. Allele origin: germline.